The following is an entry in ClinVar:

ClinVar aggregate classification (germline): Conflicting classifications of pathogenicity. Review status: criteria provided, conflicting classifications (1 of 4 stars). 3 submissions from 3 submitters: Uncertain significance (2); Benign (1). Last evaluated 2025-11-26.

Conditions:
Familial thoracic aortic aneurysm and aortic dissection (TAAD). Also called: Thoracic aortic aneurysms and dissections. Identifiers: Orphanet 91387, MedGen C4707243, MONDO:0019625.
Ehlers-Danlos syndrome, classic type, 1 (EDSCL1). Also called: Ehlers-Danlos Syndrome, Classic Type, COL5A1-Related; EDS I; Ehlers-Danlos syndrome, type 1; EHLERS-DANLOS SYNDROME, GRAVIS TYPE; EHLERS-DANLOS SYNDROME, SEVERE CLASSIC TYPE. Identifiers: MedGen C0268335, MONDO:0019567, OMIM 130000.

Allele frequency attached by ClinVar (database versions not stated): gnomAD exomes 0.00001 and 0.00002; TOPMed 0.00008; 1000 Genomes Project 30x 0.00016; gnomAD 0.00009; 1000 Genomes Project 0.00020; ExAC 0.00003.
gnomAD v4.1: 25 of 1,614,122 alleles (0.0015%); highest among the groups gnomAD compares: African/African-American, 0.02%; no homozygotes.

Submissions (3):

Labcorp Genetics (formerly Invitae), Labcorp
Classification: Benign for Ehlers-Danlos syndrome, classic type, 1. Last evaluated: 2025-11-26. Review status: criteria provided, single submitter. Criteria: Invitae Variant Classification Sherloc (09022015). Collection method: clinical testing. Allele origin: germline.

Clinical Genomics Laboratory, Washington University in St. Louis
Classification: Uncertain significance for Ehlers-Danlos syndrome, classic type, 1. Last evaluated: 2025-04-22. Review status: criteria provided, single submitter. Criteria: ACMG Guidelines, 2015. Collection method: clinical testing. Allele origin: germline.
Comment: The COL5A1 c.5389A>C (p.Lys1797Gln) variant, to our knowledge, has not been reported in the medical literature. This variant is only observed on 5 out of 251,372 alleles in the general population (gnomAD v2.1.1), indicating it is not a common variant. Computational predictors are uncertain as to the impact of this variant on COL5A1 function. This variant has been reported in the ClinVar database as a germline variant of uncertain significance and benign variant by one submitter each. Due to limited information, and based on ACMG/AMP guidelines for variant interpretation (Richards S et al., PMID: 25741868), the clinical significance of this variant is uncertain at this time.

Ambry Genetics
Classification: Uncertain significance for Familial thoracic aortic aneurysm and aortic dissection. Last evaluated: 2016-12-05. Review status: criteria provided, single submitter. Criteria: Ambry Variant Classification Scheme 2023. Collection method: clinical testing. Allele origin: germline.
Comment: The p.K1797Q variant (also known as c.5389A>C), located in coding exon 66 of the COL5A1 gene, results from an A to C substitution at nucleotide position 5389. The lysine at codon 1797 is replaced by glutamine, an amino acid with similar properties. This amino acid position is well conserved in available vertebrate species. In addition, this alteration is predicted to be tolerated by in silico analysis. Since supporting evidence is limited at this time, the clinical significance of this alteration remains unclear.

NM_000093.5(COL5A1):c.5389A>C (p.Lys1797Gln)

Genes: COL5A1 (collagen type V alpha 1 chain; plus strand), LOC101448202 (uncharacterized LOC101448202; minus strand). Cytogenetic location: 9q34.3.
Variant type: single nucleotide variant.
Coding change: c.5389A>C on transcript NM_000093.5 (MANE Select); coding-DNA position 5389, A replaced by C.
Protein change: p.Lys1797Gln; replaces lysine 1797 with glutamine.
Molecular consequence: missense variant.
Genome position (GRCh38, 1-based): chr9:134,842,175, A>C. VCF-style: chr9-134842175-A-C. GRCh37 (hg19) VCF-style: chr9-137734021-A-C.
Other names: c.5389A>C, p.Lys1797Gln (NM_001278074.1); short protein forms K1797Q.
Identifiers: ClinVar variation 519642 (VCV000519642.17), dbSNP rs560106611, ClinGen allele CA5320739.